The following is an entry in ClinVar:

ClinVar aggregate classification (germline): Uncertain significance. Review status: criteria provided, multiple submitters, no conflicts (2 of 4 stars). 8 submissions from 8 submitters: Uncertain significance (8). Last evaluated 2025-01-17.

Conditions:
Cardiovascular phenotype. Identifiers: MedGen CN230736.
Hypertrophic cardiomyopathy 6. Identifiers: MedGen C1833236, MONDO:0010946, OMIM 600858.
Wolff-Parkinson-White pattern. Also called: Auriculoventricular accessory pathway syndrome; False bundle branch block syndrome; Anomalous ventricular excitation syndrome; WPW SYNDROME. Identifiers: MedGen C0043202, MONDO:0008685, OMIM 194200, HP:0001716.
Lethal congenital glycogen storage disease of heart. Also called: GLYCOGEN STORAGE DISEASE OF HEART; PHOSPHORYLASE KINASE DEFICIENCY OF HEART. Identifiers: Orphanet 439854, MedGen C1849813, MONDO:0009867, OMIM 261740.
Cardiomyopathy (CMYO). Also called: Cardiomyopathies. Identifiers: Orphanet 167848, MedGen C0878544, MONDO:0004994, HP:0001638. Inheritance: Various modes of inheritance.
Hypertrophic cardiomyopathy. Also called: HYPERTROPHIC MYOCARDIOPATHY. Identifiers: Orphanet 217569, MedGen C0007194, MeSH D002312, MONDO:0005045, HP:0001639.

Allele frequency attached by ClinVar (database versions not stated): ExAC 0.00002; gnomAD 0.00002 and 0.00003; TOPMed 0.00006; ESP Exome Variant Server 0.00008; 1000 Genomes Project 30x 0.00016; 1000 Genomes Project 0.00020.
gnomAD v4.1: 45 of 1,614,110 alleles (0.0028%); highest among the groups gnomAD compares: Middle Eastern, 0.033%; no homozygotes.

Submissions (8):

Mayo Clinic Laboratories, Mayo Clinic
Classification: Uncertain significance. Last evaluated: 2025-01-17. Review status: criteria provided, single submitter. Criteria: ACMG Guidelines, 2015. Collection method: clinical testing. Allele origin: germline. Observed: 1 variant allele.

All of Us Research Program, National Institutes of Health
Classification: Uncertain significance for Hypertrophic cardiomyopathy. Last evaluated: 2024-04-16. Review status: criteria provided, single submitter. Criteria: ACMG Guidelines, 2015. Collection method: clinical testing. Allele origin: germline. Inheritance: Autosomal dominant inheritance. Observed: 3 variant alleles, 3 heterozygotes.
Comment: This missense variant replaces arginine with glutamine at codon 186 of the PRKAG2 protein. Computational prediction is inconclusive regarding the impact of this variant on protein structure and function (internally defined REVEL score threshold 0.5 < inconclusive < 0.7, PMID: 27666373). To our knowledge, functional studies have not been reported for this variant. This variant has not been reported in individuals affected with cardiovascular disorders in the literature. This variant has been identified in 4/282888 chromosomes in the general population by the Genome Aggregation Database (gnomAD). The available evidence is insufficient to determine the role of this variant in disease conclusively. Therefore, this variant is classified as a Variant of Uncertain Significance.

This study involves interpretation of variants in research participants for the purpose of population health screening. Participant phenotype was not available at the time of variant classification. Additional details can be found in publication PMID: 35346344, PMCID: PMC8962531

Color Diagnostics, LLC DBA Color Health
Classification: Uncertain significance for Cardiomyopathy. Last evaluated: 2024-03-29. Review status: criteria provided, single submitter. Criteria: ACMG Guidelines, 2015. Collection method: clinical testing. Allele origin: germline.
Comment: This missense variant replaces arginine with glutamine at codon 186 of the PRKAG2 protein. Computational prediction tools indicate that this variant's impact on protein structure and function is inconclusive. To our knowledge, functional studies have not been reported for this variant. This variant has not been reported in individuals affected with PRKAG2-related disorders in the literature. This variant has been identified in 4/282888 chromosomes in the general population by the Genome Aggregation Database (gnomAD). The available evidence is insufficient to determine the role of this variant in disease conclusively. Therefore, this variant is classified as a Variant of Uncertain Significance.

Labcorp Genetics (formerly Invitae), Labcorp
Classification: Uncertain significance for Lethal congenital glycogen storage disease of heart. Last evaluated: 2022-10-25. Review status: criteria provided, single submitter. Criteria: Invitae Variant Classification Sherloc (09022015). Collection method: clinical testing. Allele origin: germline.
Comment: This sequence change replaces arginine, which is basic and polar, with glutamine, which is neutral and polar, at codon 186 of the PRKAG2 protein (p.Arg186Gln). This variant is present in population databases (rs145006140, gnomAD 0.004%). This variant has not been reported in the literature in individuals affected with PRKAG2-related conditions. ClinVar contains an entry for this variant (Variation ID: 181487). Advanced modeling of protein sequence and biophysical properties (such as structural, functional, and spatial information, amino acid conservation, physicochemical variation, residue mobility, and thermodynamic stability) performed at Invitae indicates that this missense variant is not expected to disrupt PRKAG2 protein function. In summary, the available evidence is currently insufficient to determine the role of this variant in disease. Therefore, it has been classified as a Variant of Uncertain Significance.

Fulgent Genetics
Classification: Uncertain significance for Wolff-Parkinson-White pattern; Lethal congenital glycogen storage disease of heart; Hypertrophic cardiomyopathy 6. Last evaluated: 2022-02-09. Review status: criteria provided, single submitter. Criteria: ACMG Guidelines, 2015. Collection method: clinical testing. Allele origin: unknown.

Ambry Genetics
Classification: Uncertain significance for Cardiovascular phenotype. Last evaluated: 2021-05-04. Review status: criteria provided, single submitter. Criteria: Ambry Variant Classification Scheme 2023. Collection method: clinical testing. Allele origin: germline.
Comment: The p.R186Q variant (also known as c.557G>A), located in coding exon 4 of the PRKAG2 gene, results from a G to A substitution at nucleotide position 557. The arginine at codon 186 is replaced by glutamine, an amino acid with highly similar properties. This amino acid position is highly conserved in available vertebrate species. In addition, this alteration is predicted to be deleterious by in silico analysis. Since supporting evidence is limited at this time, the clinical significance of this alteration remains unclear.

GeneDx
Classification: Uncertain significance. Last evaluated: 2021-02-17. Review status: criteria provided, single submitter. Criteria: GeneDx Variant Classification Process June 2021. Collection method: clinical testing. Allele origin: germline. Affected: yes.
Comment: Not observed at a significant frequency in large population cohorts (Lek et al., 2016); In silico analysis supports that this missense variant does not alter protein structure/function; Has not been previously published as pathogenic or benign to our knowledge

CeGaT Center for Human Genetics Tuebingen
Classification: Uncertain significance. Last evaluated: 2020-10-01. Review status: criteria provided, single submitter. Criteria: CeGaT Center For Human Genetics Tuebingen Variant Classification Criteria Version 2. Collection method: clinical testing. Allele origin: germline. Affected: yes. Observed: 1 variant allele.

NM_016203.4(PRKAG2):c.557G>A (p.Arg186Gln)

Gene: PRKAG2 (protein kinase AMP-activated non-catalytic subunit gamma 2; minus strand). Cytogenetic location: 7q36.1.
Variant type: single nucleotide variant.
Coding change: c.557G>A on transcript NM_016203.4 (MANE Select); coding-DNA position 557, G replaced by A.
Protein change: p.Arg186Gln; replaces arginine 186 with glutamine.
Molecular consequence: missense variant.
Genome position (GRCh38, 1-based): chr7:151,675,547, C>T on the plus strand (G>A on the coding strand, the complement: PRKAG2 is on the minus strand). VCF-style: chr7-151675547-C-T. GRCh37 (hg19) VCF-style: chr7-151372633-C-T.
Other names: p.R186Q:CGG>CAG; p.Arg186Gln; c.425G>A, p.Arg142Gln (NM_001040633.2); c.185G>A, p.Arg62Gln (NM_001304527.2, NM_001363698.2); short protein forms R186Q, R142Q, R62Q.
Identifiers: ClinVar variation 181487 (VCV000181487.51), dbSNP rs145006140, ClinGen allele CA014350.
Genomic context (GRCh38, chr7:151,675,547, plus strand): 5'-GGGCAGAACCTCTGCCCTGTGTCCGGGGGGGAAGACGAGGCATAGATGCGATTCTCTAAC[C>T]GTTCAGGCTCGTGCTTATAGGATTCCAGGGGAAACGTGTGCTGCTTGGTCACTTGGGTGG-3'
Protein context (NP_057287.2, residues 176-196): PLESYKHEPE[Arg186Gln]LENRIYASSS